The following is an entry in ClinVar:

ClinVar aggregate classification (germline): Uncertain significance (1 of 4 stars; one submission).

Conditions:
Long QT syndrome (LQTS). Identifiers: MedGen C0023976, MeSH D008133, MONDO:0002442. Disease mechanism: loss of function. Inheritance: Various modes of inheritance.

Allele frequency attached by ClinVar (database versions not stated): TOPMed below 0.00001.

Submission:

Labcorp Genetics (formerly Invitae), Labcorp
Classification: Uncertain significance for Long QT syndrome. Last evaluated: 2021-06-22. Review status: criteria provided, single submitter. Criteria: Invitae Variant Classification Sherloc (09022015). Collection method: clinical testing. Allele origin: germline.
Comment: In summary, the available evidence is currently insufficient to determine the role of this variant in disease. Therefore, it has been classified as a Variant of Uncertain Significance. Nucleotide substitutions within the consensus splice site are a relatively common cause of aberrant splicing (PMID: 17576681, 9536098). Algorithms developed to predict the effect of sequence changes on RNA splicing suggest that this variant is not likely to affect RNA splicing, but this prediction has not been confirmed by published transcriptional studies. This variant has not been reported in the literature in individuals with KCNH2-related conditions. This variant is not present in population databases (ExAC no frequency). This sequence change falls in intron 6 of the KCNH2 gene. It does not directly change the encoded amino acid sequence of the KCNH2 protein, but it affects a nucleotide within the consensus splice site of the intron.

Literature cited by the submitters: PubMed 17576681; PubMed 9536098.

NM_000238.4(KCNH2):c.1557+3G>A

Gene: KCNH2 (potassium voltage-gated channel subfamily H member 2; minus strand). Cytogenetic location: 7q36.1.
Variant type: single nucleotide variant.
Coding change: c.1557+3G>A on transcript NM_000238.4 (MANE Select); 3 bases into the intron after coding-DNA position 1557, G replaced by A.
Molecular consequence: intron variant.
Genome position (GRCh38, 1-based): chr7:150,952,422, C>T on the plus strand (G>A on the coding strand, the complement: KCNH2 is on the minus strand). VCF-style: chr7-150952422-C-T. GRCh37 (hg19) VCF-style: chr7-150649510-C-T.
Other names: c.1269+3G>A (NM_001406753.1, NM_001406756.1); c.537+3G>A (NM_172057.3, NM_001204798.2); c.1557+3G>A (NM_172056.3); c.1380+3G>A (NM_001406755.1); c.1257+3G>A (NM_001406757.1).
Identifiers: ClinVar variation 851839 (VCV000851839.13), dbSNP rs1801209209, ClinGen allele CA916080389.